The following is an entry in ClinVar:

ClinVar aggregate classification (germline): Uncertain significance (1 of 4 stars; one submission).

Submission:

GeneDx
Classification: Uncertain significance. Last evaluated: 2021-06-03. Review status: criteria provided, single submitter. Criteria: GeneDx Variant Classification Process June 2021. Collection method: clinical testing. Allele origin: germline. Affected: yes.
Comment: Not observed at significant frequency in large population cohorts (Lek et al., 2016); In silico analysis, which includes protein predictors and evolutionary conservation, supports that this variant does not alter protein structure/function; Has not been previously published as pathogenic or benign to our knowledge; This variant is associated with the following publications: (PMID: 27535533)

NM_001291867.2(NHS):c.4646C>G (p.Pro1549Arg)

Gene: NHS (NHS actin remodeling regulator; plus strand). Cytogenetic location: Xp22.13.
Variant type: single nucleotide variant.
Coding change: c.4646C>G on transcript NM_001291867.2 (MANE Select); coding-DNA position 4646, C replaced by G.
Protein change: p.Pro1549Arg; replaces proline 1549 with arginine.
Molecular consequence: missense variant.
Genome position (GRCh38, 1-based): chrX:17,732,154, C>G. VCF-style: chrX-17732154-C-G. GRCh37 (hg19) VCF-style: chrX-17750274-C-G.
Other names: c.4115C>G, p.Pro1372Arg (NM_001136024.4); c.4052C>G, p.Pro1351Arg (NM_001291868.2); c.4583C>G, p.Pro1528Arg (NM_198270.4); short protein forms P1351R, P1372R, P1528R, P1549R.
Identifiers: ClinVar variation 1306984 (VCV001306984.2), dbSNP rs1064797359, ClinGen allele CA412370967.